The following is an entry in ClinVar:

ClinVar aggregate classification (germline): Benign/Likely benign. Review status: criteria provided, multiple submitters, no conflicts (2 of 4 stars). 3 submissions from 3 submitters: Benign (1); Likely benign (2). Last evaluated 2026-02-03.

Conditions:
Thrombophilia due to protein C deficiency, autosomal dominant. Also called: PROC DEFICIENCY, AUTOSOMAL DOMINANT; PROTEIN C DEFICIENCY, AUTOSOMAL DOMINANT. Identifiers: Orphanet 745, MedGen C2674321, MONDO:0008316, OMIM 176860. Disease mechanism: loss of function.

Allele frequency attached by ClinVar (database versions not stated): ESP Exome Variant Server 0.00008; gnomAD exomes 0.00046 and 0.00213; gnomAD 0.00092 and 0.00126; TOPMed 0.00093; ExAC 0.00194; 1000 Genomes Project 30x 0.00687; 1000 Genomes Project 0.00819.

Submissions (3):

Labcorp Genetics (formerly Invitae), Labcorp
Classification: Benign for Thrombophilia due to protein C deficiency, autosomal dominant. Last evaluated: 2026-02-03. Review status: criteria provided, single submitter. Criteria: Invitae Variant Classification Sherloc (09022015). Collection method: clinical testing. Allele origin: germline.

Illumina Laboratory Services, Illumina
Classification: Likely benign for Thrombophilia due to protein C deficiency, autosomal dominant. Last evaluated: 2018-01-12. Review status: criteria provided, single submitter. Criteria: ICSL Variant Classification Criteria 13 December 2019. Collection method: clinical testing. Allele origin: germline.
Comment: This variant was observed in the ICSL laboratory as part of a predisposition screen in an ostensibly healthy population. It had not been previously curated by ICSL or reported in the Human Gene Mutation Database (HGMD: prior to June 1st, 2018), and was therefore a candidate for classification through an automated scoring system. Utilizing variant allele frequency, disease prevalence and penetrance estimates, and inheritance mode, an automated score was calculated to assess if this variant is too frequent to cause the disease. Based on the score and internal cut-off values, a variant classified as likely benign is not then subjected to further curation. The score for this variant resulted in a classification of likely benign for this disease.

Breakthrough Genomics
Classification: Likely benign. Review status: criteria provided, single submitter. Criteria: ACMG Guidelines, 2015. Collection method: not provided. Allele origin: germline. Inheritance: Autosomal recessive inheritance. Affected: yes.

NM_000312.4(PROC):c.66T>C (p.Pro22=)

Gene: PROC (protein C, inactivator of coagulation factors Va and VIIIa; plus strand). Cytogenetic location: 2q14.3.
Variant type: single nucleotide variant.
Coding change: c.66T>C on transcript NM_000312.4 (MANE Select); coding-DNA position 66, T replaced by C.
Protein change: p.Pro22=; no amino-acid change (proline 22 retained).
Molecular consequence: synonymous variant. On other transcripts: missense variant (1), intron variant (1).
Genome position (GRCh38, 1-based): chr2:127,420,008, T>C. VCF-style: chr2-127420008-T-C. GRCh37 (hg19) VCF-style: chr2-128177584-T-C.
Other names: c.249T>C, p.Pro83= (NM_001375602.1); c.129T>C, p.Pro43= (NM_001375603.1, NM_001375604.1, NM_001375606.1); c.66T>C, p.Pro22= (NM_001375605.1, NM_001375608.1, NM_001375610.1 and 2 more transcripts); c.185T>C, p.Leu62Pro (NM_001375607.1); c.47-1275T>C (NM_001375609.1); short protein forms L62P.
Identifiers: ClinVar variation 331102 (VCV000331102.16), dbSNP rs144300387, ClinGen allele CA1859201.